The following is an entry in ClinVar:

ClinVar aggregate classification (germline): Uncertain significance. Review status: criteria provided, multiple submitters, no conflicts (2 of 4 stars). 2 submissions from 2 submitters: Uncertain significance (2). Last evaluated 2025-04-01.

Conditions:
Inborn genetic diseases. Identifiers: MedGen C0950123, MeSH D030342.
COG7 congenital disorder of glycosylation (CDG2E). Also called: CDG IIe; CONGENITAL DISORDER OF GLYCOSYLATION, TYPE IIe. Identifiers: Orphanet 79333, MedGen C2931010, MONDO:0012118, OMIM 608779.

Allele frequency attached by ClinVar (database versions not stated): gnomAD 0.00001; ExAC 0.00002; gnomAD exomes 0.00002; TOPMed 0.00002.
gnomAD v4.1: 15 of 1,613,898 alleles (0.00093%); highest among the groups gnomAD compares: African/African-American, 0.0027%; no homozygotes.

Submissions (2):

Ambry Genetics
Classification: Uncertain significance for Inborn genetic diseases. Last evaluated: 2025-04-01. Review status: criteria provided, single submitter. Criteria: Ambry Variant Classification Scheme 2023. Collection method: clinical testing. Allele origin: germline.

Labcorp Genetics (formerly Invitae), Labcorp
Classification: Uncertain significance for COG7 congenital disorder of glycosylation. Last evaluated: 2022-01-04. Review status: criteria provided, single submitter. Criteria: Invitae Variant Classification Sherloc (09022015). Collection method: clinical testing. Allele origin: germline.
Comment: This sequence change replaces serine, which is neutral and polar, with leucine, which is neutral and non-polar, at codon 598 of the COG7 protein (p.Ser598Leu). This variant is present in population databases (rs754431741, gnomAD 0.005%). This variant has not been reported in the literature in individuals affected with COG7-related conditions. Algorithms developed to predict the effect of missense changes on protein structure and function (SIFT, PolyPhen-2, Align-GVGD) all suggest that this variant is likely to be tolerated. In summary, the available evidence is currently insufficient to determine the role of this variant in disease. Therefore, it has been classified as a Variant of Uncertain Significance.

NM_153603.4(COG7):c.1793C>T (p.Ser598Leu)

Gene: COG7 (component of oligomeric golgi complex 7; minus strand). Cytogenetic location: 16p12.2.
Variant type: single nucleotide variant.
Coding change: c.1793C>T on transcript NM_153603.4 (MANE Select); coding-DNA position 1793, C replaced by T.
Protein change: p.Ser598Leu; replaces serine 598 with leucine.
Molecular consequence: missense variant.
Genome position (GRCh38, 1-based): chr16:23,403,704, G>A on the plus strand (C>T on the coding strand, the complement: COG7 is on the minus strand). VCF-style: chr16-23403704-G-A. GRCh37 (hg19) VCF-style: chr16-23415025-G-A.
Other names: c.1793C>T (NM_153603.3); short protein forms S598L.
Identifiers: ClinVar variation 1405921 (VCV001405921.7), dbSNP rs754431741, ClinGen allele CA7960893.